The following is an entry in ClinVar:

NM_001374736.1(DST):c.15777A>G (p.Glu5259=)

Gene: DST (dystonin; minus strand). Cytogenetic location: 6p12.1.
Variant type: single nucleotide variant.
Coding change: c.15777A>G on transcript NM_001374736.1 (MANE Select); coding-DNA position 15777, A replaced by G.
Protein change: p.Glu5259=; no amino-acid change (glutamic acid 5259 retained).
Molecular consequence: synonymous variant.
Genome position (GRCh38, 1-based): chr6:56,553,015, T>C on the plus strand (A>G on the coding strand, the complement: DST is on the minus strand). VCF-style: chr6-56553015-T-C. GRCh37 (hg19) VCF-style: chr6-56417813-T-C.
Other names: c.9420A>G, p.Glu3140= (NM_001144769.5); c.9006A>G, p.Glu3002= (NM_001144770.2); c.15777A>G, p.Glu5259= (NM_001374722.1); c.15144A>G, p.Glu5048= (NM_001374729.1); c.8886A>G, p.Glu2962= (NM_001374730.1, NM_001386100.1, NM_183380.4); c.15804A>G, p.Glu5268= (NM_001374734.1); c.7908A>G, p.Glu2636= (NM_015548.5).
Identifiers: ClinVar variation 2927415 (VCV002927415.3), dbSNP rs1223506534, ClinGen allele CA450619749.

ClinVar aggregate classification (germline): Uncertain significance (1 of 4 stars; one submission).

Conditions:
Hereditary sensory and autonomic neuropathy type 6. Also called: HSAN VI; Neuropathy, hereditary sensory and autonomic, type VI. Identifiers: Orphanet 314381, MedGen C3539003, MONDO:0013839, OMIM 614653.
Epidermolysis bullosa simplex 3, localized or generalized intermediate, with BP230 deficiency (EBS3). Also called: Epidermolysis bullosa simplex, autosomal recessive 2; Epidermolysis bullosa simplex due to BP230 deficiency. Identifiers: Orphanet 412181, MedGen C3809470, MONDO:0014180, OMIM 615425.

Allele frequency attached by ClinVar (database versions not stated): gnomAD exomes below 0.00001; TOPMed 0.00002; gnomAD 0.00003.
gnomAD v4.1: 8 of 1,613,866 alleles (0.0005%); highest among the groups gnomAD compares: African/African-American, 0.004%; no homozygotes.

Submission:

Labcorp Genetics (formerly Invitae), Labcorp
Classification: Uncertain significance for Epidermolysis bullosa simplex 3, localized or generalized intermediate, with BP230 deficiency; Hereditary sensory and autonomic neuropathy type 6. Last evaluated: 2024-01-08. Review status: criteria provided, single submitter. Criteria: Invitae Variant Classification Sherloc (09022015). Collection method: clinical testing. Allele origin: germline.
Comment: The DST gene has multiple clinically relevant transcripts. This variant occurs in alternate transcript NM_015548.4, and corresponds to NM_001723.5:c.*62502A>G in the primary transcript. This sequence change affects codon 2636 of the DST mRNA. It is a 'silent' change, meaning that it does not change the encoded amino acid sequence of the DST protein. This variant is present in population databases (no rsID available, gnomAD 0.008%). This variant has not been reported in the literature in individuals affected with DST-related conditions. Experimental studies and prediction algorithms are not available or were not evaluated, and the effect of this variant on mRNA splicing is currently unknown. In summary, the available evidence is currently insufficient to determine the role of this variant in disease. Therefore, it has been classified as a Variant of Uncertain Significance.